The following is an entry in ClinVar:

NM_001876.4(CPT1A):c.101C>T (p.Ser34Phe)

Gene: CPT1A (carnitine palmitoyltransferase 1A; minus strand). Cytogenetic location: 11q13.3.
Variant type: single nucleotide variant.
Coding change: c.101C>T on transcript NM_001876.4 (MANE Select); coding-DNA position 101, C replaced by T.
Protein change: p.Ser34Phe; replaces serine 34 with phenylalanine.
Molecular consequence: missense variant.
Genome position (GRCh38, 1-based): chr11:68,815,374, G>A on the plus strand (C>T on the coding strand, the complement: CPT1A is on the minus strand). VCF-style: chr11-68815374-G-A. GRCh37 (hg19) VCF-style: chr11-68582842-G-A.
Other names: c.101C>T, p.Ser34Phe (NM_001031847.3); short protein forms S34F.
Identifiers: ClinVar variation 1014808 (VCV001014808.8), dbSNP rs1856355607, ClinGen allele CA381638296.

ClinVar aggregate classification (germline): Likely pathogenic (1 of 4 stars; one submission).

Conditions:
Carnitine palmitoyl transferase 1A deficiency. Also called: Carnitine palmitoyltransferase 1A deficiency; Carnitine palmitoyltransferase type I deficiency; CPT I DEFICIENCY; CPT DEFICIENCY, HEPATIC, TYPE I; CPT deficiency, hepatic, type IA. Identifiers: Orphanet 156, MedGen C1829703, MONDO:0009705, OMIM 255120.

Submission:

Labcorp Genetics (formerly Invitae), Labcorp
Classification: Likely pathogenic for Carnitine palmitoyl transferase 1A deficiency. Last evaluated: 2022-11-29. Review status: criteria provided, single submitter. Criteria: Invitae Variant Classification Sherloc (09022015). Collection method: clinical testing. Allele origin: germline.
Comment: This sequence change replaces serine, which is neutral and polar, with phenylalanine, which is neutral and non-polar, at codon 34 of the CPT1A protein (p.Ser34Phe). This variant is not present in population databases (gnomAD no frequency). This variant has not been reported in the literature in individuals affected with CPT1A-related conditions. ClinVar contains an entry for this variant (Variation ID: 1014808). Advanced modeling of protein sequence and biophysical properties (such as structural, functional, and spatial information, amino acid conservation, physicochemical variation, residue mobility, and thermodynamic stability) performed at Invitae indicates that this missense variant is expected to disrupt CPT1A protein function. This variant disrupts the p.Ser34 amino acid residue in CPT1A. Other variant(s) that disrupt this residue have been determined to be pathogenic (Invitae). This suggests that this residue is clinically significant, and that variants that disrupt this residue are likely to be disease-causing. In summary, the currently available evidence indicates that the variant is pathogenic, but additional data are needed to prove that conclusively. Therefore, this variant has been classified as Likely Pathogenic.